The following is an entry in ClinVar:

ClinVar aggregate classification (germline): Likely benign. Review status: criteria provided, single submitter (1 of 4 stars). 2 submissions from 2 submitters: Likely benign (1). 1 of the submissions does not count toward it. Last evaluated 2025-10-14.

Conditions:
Familial hemophagocytic lymphohistiocytosis 5. Also called: STXBP2-Related Familial Hemophagocytic Lymphohistiocytosis (STXBP2-fHLH). Identifiers: Orphanet 540, MedGen C2751293, MONDO:0013135, OMIM 613101.
STXBP2-related disorder. Also called: STXBP2-related condition.

Allele frequency attached by ClinVar (database versions not stated): ExAC 0.00002; gnomAD exomes 0.00004 and 0.00005; gnomAD 0.00005; TOPMed 0.00006; ESP Exome Variant Server 0.00008.
gnomAD v4.1: 78 of 1,613,970 alleles (0.0048%); highest among the groups gnomAD compares: Admixed American, 0.013%; no homozygotes.

Submissions (2):

Labcorp Genetics (formerly Invitae), Labcorp
Classification: Likely benign for Familial hemophagocytic lymphohistiocytosis 5. Last evaluated: 2025-10-14. Review status: criteria provided, single submitter. Criteria: Invitae Variant Classification Sherloc (09022015). Collection method: clinical testing. Allele origin: germline.

PreventionGenetics, part of Exact Sciences
Classification: Likely benign for STXBP2-related condition. Last evaluated: 2021-05-12. Review status: no assertion criteria provided. Collection method: clinical testing. Allele origin: germline. Not counted in ClinVar's aggregate classification.
Comment: This variant is classified as likely benign based on ACMG/AMP sequence variant interpretation guidelines (Richards et al. 2015 PMID: 25741868, with internal and published modifications).

NM_006949.4(STXBP2):c.960+9G>A

Gene: STXBP2 (syntaxin binding protein 2; plus strand). Cytogenetic location: 19p13.2.
Variant type: single nucleotide variant.
Coding change: c.960+9G>A on transcript NM_006949.4 (MANE Select); 9 bases into the intron after coding-DNA position 960, G replaced by A.
Molecular consequence: intron variant.
Genome position (GRCh38, 1-based): chr19:7,642,832, G>A. VCF-style: chr19-7642832-G-A. GRCh37 (hg19) VCF-style: chr19-7707718-G-A.
Other names: c.960+9G>A (NM_006949.3); c.993+9G>A (NM_001272034.2); c.951+9G>A (NM_001127396.3).
Identifiers: ClinVar variation 1650781 (VCV001650781.10), dbSNP rs371345040, ClinGen allele CA9143887.